The following is an entry in ClinVar:

NM_001378454.1(ALMS1):c.46_47insCGG (p.Glu15_Glu16insAla)

Gene: ALMS1 (ALMS1 centrosome and basal body associated protein; plus strand). Cytogenetic location: 2p13.1.
Variant type: Insertion.
Coding change: c.46_47insCGG on transcript NM_001378454.1 (MANE Select); coding-DNA positions 46 to 47, CGG inserted.
Protein change: p.Glu15_Glu16insAla.
Molecular consequence: inframe insertion.
Genome position: GRCh38 VCF-style: chr2-73385912-A-AGGC. GRCh37 (hg19) VCF-style: chr2-73613040-A-AGGC.
Other names: c.49_50insCGG, p.Glu16_Glu17insAla (NM_015120.4).
Identifiers: ClinVar variation 1432767 (VCV001432767.5), dbSNP rs1558624515, ClinGen allele CA2573135736.

ClinVar aggregate classification (germline): Uncertain significance (1 of 4 stars; one submission).

Conditions:
Alstrom syndrome (ALMS). Identifiers: Orphanet 64, MedGen C0268425, MONDO:0008763, OMIM 203800.

Submission:

Labcorp Genetics (formerly Invitae), Labcorp
Classification: Uncertain significance for Alstrom syndrome. Last evaluated: 2022-09-12. Review status: criteria provided, single submitter. Criteria: Invitae Variant Classification Sherloc (09022015). Collection method: clinical testing. Allele origin: germline.
Comment: This variant, c.49_50insCGG, results in the insertion of 1 amino acid(s) of the ALMS1 protein (p.Glu16_Glu17insAla), but otherwise preserves the integrity of the reading frame. This variant is not present in population databases (gnomAD no frequency). This variant has not been reported in the literature in individuals affected with ALMS1-related conditions. ClinVar contains an entry for this variant (Variation ID: 1432767). Experimental studies and prediction algorithms are not available or were not evaluated, and the functional significance of this variant is currently unknown. In summary, the available evidence is currently insufficient to determine the role of this variant in disease. Therefore, it has been classified as a Variant of Uncertain Significance.